The following is an entry in ClinVar:

ClinVar aggregate classification (germline): Uncertain significance. Review status: criteria provided, multiple submitters, no conflicts (2 of 4 stars). 3 submissions from 3 submitters: Uncertain significance (3). Last evaluated 2026-03-20.

Conditions:
Hereditary cancer-predisposing syndrome. Also called: Hereditary Cancer Syndrome; Tumor predisposition; Hereditary neoplastic syndrome; Neoplastic Syndromes, Hereditary. Identifiers: Orphanet 140162, MedGen C0027672, MeSH D009386, MONDO:0015356.
Familial adenomatous polyposis 1 (FAP1). Also called: FAMILIAL ADENOMATOUS POLYPOSIS 1, ATTENUATED; POLYPOSIS, ADENOMATOUS INTESTINAL. Identifiers: MedGen C2713442, MONDO:0021056, OMIM 175100. Disease mechanism: loss of function.

gnomAD v4.1: 1 of 1,613,966 alleles (0.000062%); highest among the groups gnomAD compares: Non-Finnish European, 0.000085%; no homozygotes.

Submissions (3):

Ambry Genetics
Classification: Uncertain significance for Hereditary cancer-predisposing syndrome. Last evaluated: 2026-03-20. Review status: criteria provided, single submitter. Criteria: Ambry Variant Classification Scheme 2023. Collection method: clinical testing. Allele origin: germline.
Comment: The p.D2732E variant (also known as c.8196C>A), located in coding exon 15 of the APC gene, results from a C to A substitution at nucleotide position 8196. The aspartic acid at codon 2732 is replaced by glutamic acid, an amino acid with highly similar properties. This amino acid position is conserved. In addition, in silico predictors for this gene do not accurately predict pathogenicity. Based on the available evidence, the clinical significance of this variant remains unclear.

Labcorp Genetics (formerly Invitae), Labcorp
Classification: Uncertain significance for Familial adenomatous polyposis 1. Last evaluated: 2025-07-14. Review status: criteria provided, single submitter. Criteria: Invitae Variant Classification Sherloc (09022015). Collection method: clinical testing. Allele origin: germline.
Comment: This sequence change replaces aspartic acid, which is acidic and polar, with glutamic acid, which is acidic and polar, at codon 2732 of the APC protein (p.Asp2732Glu). This variant is not present in population databases (gnomAD no frequency). This variant has not been reported in the literature in individuals affected with APC-related conditions. ClinVar contains an entry for this variant (Variation ID: 438890). Invitae Evidence Modeling of protein sequence and biophysical properties (such as structural, functional, and spatial information, amino acid conservation, physicochemical variation, residue mobility, and thermodynamic stability) indicates that this missense variant is not expected to disrupt APC protein function with a negative predictive value of 95%. In summary, the available evidence is currently insufficient to determine the role of this variant in disease. Therefore, it has been classified as a Variant of Uncertain Significance.

Quest Diagnostics Nichols Institute San Juan Capistrano
Classification: Uncertain significance. Last evaluated: 2017-04-28. Review status: criteria provided, single submitter. Criteria: Quest Diagnostics criteria. Collection method: clinical testing. Allele origin: germline.

NM_000038.6(APC):c.8196C>A (p.Asp2732Glu)

Gene: APC (APC regulator of Wnt signaling pathway; plus strand). Cytogenetic location: 5q22.2.
Variant type: single nucleotide variant.
Coding change: c.8196C>A on transcript NM_000038.6 (MANE Select); coding-DNA position 8196, C replaced by A.
Protein change: p.Asp2732Glu; replaces aspartic acid 2732 with glutamic acid.
Molecular consequence: missense variant.
Genome position (GRCh38, 1-based): chr5:112,843,790, C>A. VCF-style: chr5-112843790-C-A. GRCh37 (hg19) VCF-style: chr5-112179487-C-A.
Other names: c.8196C>A, p.Asp2732Glu (NM_001127510.3, NM_001354895.2); c.8142C>A, p.Asp2714Glu (NM_001127511.3); c.8250C>A, p.Asp2750Glu (NM_001354896.2); c.8226C>A, p.Asp2742Glu (NM_001354897.2); c.8121C>A, p.Asp2707Glu (NM_001354898.2); c.8112C>A, p.Asp2704Glu (NM_001354899.2); c.8073C>A, p.Asp2691Glu (NM_001354900.2); c.8019C>A, p.Asp2673Glu (NM_001354901.2); and 5 more; short protein forms D2714E, D2732E, D2631E, D2707E, D2606E, D2691E, D2742E, D2750E.
Identifiers: ClinVar variation 438890 (VCV000438890.4), dbSNP rs1554088957, ClinGen allele CA16039122.
Genomic context (GRCh38, chr5:112,843,790, plus strand): 5'-CATGCGTACCGTGGGTTTGGAAAATCGCCTGAACTCCTTTATTCAGGTGGATGCCCCTGA[C>A]CAAAAAGGAACTGAGATAAAACCAGGACAAAATAATCCTGTCCCTGTATCAGAGACTAAT-3'
Protein context (NP_000029.2, residues 2722-2742): LNSFIQVDAP[Asp2732Glu]QKGTEIKPGQ